The following is an entry in ClinVar:

NM_001267550.2(TTN):c.85068A>G (p.Arg28356=)

Genes: TTN (titin; minus strand), TTN-AS1 (TTN antisense RNA 1; plus strand). Cytogenetic location: 2q31.2.
Variant type: single nucleotide variant.
Coding change: c.85068A>G on transcript NM_001267550.2 (MANE Select); coding-DNA position 85068, A replaced by G.
Protein change: p.Arg28356=; no amino-acid change (arginine 28356 retained).
Molecular consequence: synonymous variant.
Genome position (GRCh38, 1-based): chr2:178,561,064, T>C on the plus strand (A>G on the coding strand, the complement: TTN is on the minus strand). VCF-style: chr2-178561064-T-C. GRCh37 (hg19) VCF-style: chr2-179425791-T-C.
Other names: c.80145A>G, p.Arg26715= (NM_001256850.1); c.57873A>G, p.Arg19291= (NM_003319.4); c.77364A>G, p.Arg25788= (NM_133378.4); c.58248A>G, p.Arg19416= (NM_133432.3); c.58449A>G, p.Arg19483= (NM_133437.4).
Identifiers: ClinVar variation 391186 (VCV000391186.40), dbSNP rs759660682, ClinGen allele CA1988700.

ClinVar aggregate classification (germline): Likely benign. Review status: criteria provided, multiple submitters, no conflicts (2 of 4 stars). 5 submissions from 5 submitters: Likely benign (5). Last evaluated 2026-01-26.

Conditions:
Cardiovascular phenotype. Identifiers: MedGen CN230736.
Autosomal recessive limb-girdle muscular dystrophy type 2J (LGMDR10). Also called: Limb-girdle muscular dystrophy, type 2J; MUSCULAR DYSTROPHY, LIMB-GIRDLE, AUTOSOMAL RECESSIVE 10. Identifiers: Orphanet 140922, MedGen C1837342, MONDO:0012127, OMIM 608807.
Dilated cardiomyopathy 1G (CMD1G). Identifiers: Orphanet 154, MedGen C1858763, MONDO:0011400, OMIM 604145.

Allele frequency attached by ClinVar (database versions not stated): ExAC 0.00001; gnomAD 0.00001; gnomAD exomes 0.00002; TOPMed 0.00002.
gnomAD v4.1: 35 of 1,613,762 alleles (0.0022%); highest among the groups gnomAD compares: Middle Eastern, 0.016%; no homozygotes.

Submissions (5):

Labcorp Genetics (formerly Invitae), Labcorp
Classification: Likely benign for Dilated cardiomyopathy 1G; Autosomal recessive limb-girdle muscular dystrophy type 2J. Last evaluated: 2026-01-26. Review status: criteria provided, single submitter. Criteria: Invitae Variant Classification Sherloc (09022015). Collection method: clinical testing. Allele origin: germline.

CeGaT Center for Human Genetics Tuebingen
Classification: Likely benign. Last evaluated: 2023-06-01. Review status: criteria provided, single submitter. Criteria: CeGaT Center For Human Genetics Tuebingen Variant Classification Criteria Version 2. Collection method: clinical testing. Allele origin: germline. Affected: yes. Observed: 1 variant allele.
Comment: TTN: BP4, BP7

Blueprint Genetics
Classification: Likely benign. Last evaluated: 2023-01-04. Review status: criteria provided, single submitter. Criteria: ACMG Guidelines, 2015. Collection method: clinical testing. Allele origin: germline.

Ambry Genetics
Classification: Likely benign for Cardiovascular phenotype. Last evaluated: 2021-07-21. Review status: criteria provided, single submitter. Criteria: Ambry Variant Classification Scheme 2023. Collection method: clinical testing. Allele origin: germline.

GeneDx
Classification: Likely benign. Last evaluated: 2019-04-30. Review status: criteria provided, single submitter. Criteria: GeneDx Variant Classification Process June 2021. Collection method: clinical testing. Allele origin: germline. Affected: yes.